The following is an entry in ClinVar:

NM_000051.4(ATM):c.3402+10A>C

Gene: ATM (ATM serine/threonine kinase; plus strand). Cytogenetic location: 11q22.3.
Variant type: single nucleotide variant.
Coding change: c.3402+10A>C on transcript NM_000051.4 (MANE Select); 10 bases into the intron after coding-DNA position 3402, A replaced by C.
Molecular consequence: intron variant.
Genome position (GRCh38, 1-based): chr11:108,279,618, A>C. VCF-style: chr11-108279618-A-C. GRCh37 (hg19) VCF-style: chr11-108150345-A-C.
Other names: c.3402+10A>C (NM_001351834.2).
Identifiers: ClinVar variation 511607 (VCV000511607.15), dbSNP rs919002854, ClinGen allele CA228363635.

ClinVar aggregate classification (germline): Likely benign. Review status: criteria provided, multiple submitters, no conflicts (2 of 4 stars). 4 submissions from 4 submitters: Likely benign (4). Last evaluated 2025-07-07.

Conditions:
Hereditary cancer-predisposing syndrome. Also called: Hereditary Cancer Syndrome; Tumor predisposition; Neoplastic Syndromes, Hereditary; Hereditary neoplastic syndrome. Identifiers: Orphanet 140162, MedGen C0027672, MeSH D009386, MONDO:0015356.
Familial cancer of breast. Also called: BREAST CANCER, FAMILIAL; Hereditary breast cancer; hereditary breast carcinoma. Identifiers: Orphanet 227535, MedGen C0346153, MONDO:0016419, OMIM 114480. Disease mechanism: loss of function.
Ataxia-telangiectasia syndrome (AT). Also called: Cerebello-oculocutaneous telangiectasia; Immunodeficiency with ataxia telangiectasia; AT, COMPLEMENTATION GROUP C; Ataxia-telangiectasia, complementation group D; LOUIS-BAR SYNDROME; Ataxia-telangiectasia, complementation group E. Identifiers: Orphanet 100, MedGen C0004135, MONDO:0008840, OMIM 208900.

Allele frequency attached by ClinVar (database versions not stated): gnomAD exomes below 0.00001 and 0.00001; gnomAD 0.00002 and 0.00003; TOPMed 0.00002.
gnomAD v4.1: 12 of 1,577,398 alleles (0.00076%); highest among the groups gnomAD compares: African/African-American, 0.0068%; no homozygotes.

Submissions (4):

Labcorp Genetics (formerly Invitae), Labcorp
Classification: Likely benign for Ataxia-telangiectasia syndrome. Last evaluated: 2025-07-07. Review status: criteria provided, single submitter. Criteria: Invitae Variant Classification Sherloc (09022015). Collection method: clinical testing. Allele origin: germline.

Myriad Genetics, Inc.
Classification: Likely benign for Familial cancer of breast. Last evaluated: 2024-05-14. Review status: criteria provided, single submitter. Criteria: Myriad Autosomal Dominant, Autosomal Recessive and X-Linked Classification Criteria (2023). Collection method: clinical testing. Allele origin: unknown.
Comment: This variant is considered likely benign. This variant is intronic and is not expected to impact mRNA splicing.

Color Diagnostics, LLC DBA Color Health
Classification: Likely benign for Hereditary cancer-predisposing syndrome. Last evaluated: 2019-08-07. Review status: criteria provided, single submitter. Criteria: ACMG Guidelines, 2015. Collection method: clinical testing. Allele origin: germline.

GeneDx
Classification: Likely benign. Last evaluated: 2017-08-17. Review status: criteria provided, single submitter. Criteria: GeneDx Variant Classification (06012015). Collection method: clinical testing. Allele origin: germline. Affected: yes.
Comment: This variant is considered likely benign or benign based on one or more of the following criteria: it is a conservative change, it occurs at a poorly conserved position in the protein, it is predicted to be benign by multiple in silico algorithms, and/or has population frequency not consistent with disease.